The following is an entry in ClinVar:

ClinVar aggregate classification (germline): Uncertain significance (1 of 4 stars; one submission).

Allele frequency attached by ClinVar (database versions not stated): gnomAD exomes below 0.00001; TOPMed below 0.00001.
gnomAD v4.1: 2 of 1,612,592 alleles (0.00012%); highest among the groups gnomAD compares: Non-Finnish European, 0.00017%; no homozygotes.

Submission:

Ambry Genetics
Classification: Uncertain significance. Last evaluated: 2023-12-16. Review status: criteria provided, single submitter. Criteria: Ambry Variant Classification Scheme 2023. Collection method: clinical testing. Allele origin: germline.
Comment: The p.G2006E variant (also known as c.6017G>A), located in coding exon 9 of the ALPK2 gene, results from a G to A substitution at nucleotide position 6017. The glycine at codon 2006 is replaced by glutamic acid, an amino acid with similar properties. This amino acid position is conserved. In addition, this alteration is predicted to be tolerated by in silico analysis. Since supporting evidence is limited at this time, the clinical significance of this alteration remains unclear.

NM_052947.4(ALPK2):c.6017G>A (p.Gly2006Glu)

Gene: ALPK2 (alpha kinase 2; minus strand). Cytogenetic location: 18q21.31.
Variant type: single nucleotide variant.
Coding change: c.6017G>A on transcript NM_052947.4 (MANE Select); coding-DNA position 6017, G replaced by A.
Protein change: p.Gly2006Glu; replaces glycine 2006 with glutamic acid.
Molecular consequence: missense variant.
Genome position (GRCh38, 1-based): chr18:58,515,005, C>T on the plus strand (G>A on the coding strand, the complement: ALPK2 is on the minus strand). VCF-style: chr18-58515005-C-T. GRCh37 (hg19) VCF-style: chr18-56182237-C-T.
Other names: short protein forms G2006E.
Identifiers: ClinVar variation 1751097 (VCV001751097.2), dbSNP rs2051513739, ClinGen allele CA402546170.